The following is an entry in ClinVar:

ClinVar aggregate classification (germline): Uncertain significance (1 of 4 stars; one submission).

Submission:

GeneDx
Classification: Uncertain significance. Last evaluated: 2024-05-24. Review status: criteria provided, single submitter. Criteria: GeneDx Variant Classification Process June 2021. Collection method: clinical testing. Allele origin: germline. Affected: yes.
Comment: Not observed at significant frequency in large population cohorts (gnomAD); In silico analysis indicates that this missense variant does not alter protein structure/function; Has not been previously published as pathogenic or benign to our knowledge.

NM_012186.3(FOXE3):c.283G>C (p.Ala95Pro)

Genes: FOXE3 (forkhead box E3; plus strand), LINC01389 (long intergenic non-protein coding RNA 1389; minus strand). Cytogenetic location: 1p33.
Variant type: single nucleotide variant.
Coding change: c.283G>C on transcript NM_012186.3 (MANE Select); coding-DNA position 283, G replaced by C.
Protein change: p.Ala95Pro; replaces alanine 95 with proline.
Molecular consequence: missense variant.
Genome position (GRCh38, 1-based): chr1:47,416,598, G>C. VCF-style: chr1-47416598-G-C. GRCh37 (hg19) VCF-style: chr1-47882270-G-C.
Other names: short protein forms A95P.
Identifiers: ClinVar variation 3381653 (VCV003381653.1).
Genomic context (GRCh38, chr1:47,416,598, plus strand): 5'-TCGTACATCGCGCTCATCGCCATGGCTCTGGCGCACGCCCCGGGCCGCCGCCTCACGCTG[G>C]CCGCCATCTACCGCTTCATCACCGAACGCTTTGCCTTCTACCGCGACAGCCCGCGCAAGT-3'
Protein context (NP_036318.1, residues 85-105): AHAPGRRLTL[Ala95Pro]AIYRFITERF